The following is an entry in ClinVar:

NM_017802.4(DNAAF5):c.1239G>T (p.Glu413Asp)

Gene: DNAAF5 (dynein axonemal assembly factor 5; plus strand). Cytogenetic location: 7p22.3.
Variant type: single nucleotide variant.
Coding change: c.1239G>T on transcript NM_017802.4 (MANE Select); coding-DNA position 1239, G replaced by T.
Protein change: p.Glu413Asp; replaces glutamic acid 413 with aspartic acid.
Molecular consequence: missense variant. On other transcripts: non-coding transcript variant (1).
Genome position (GRCh38, 1-based): chr7:754,803, G>T. VCF-style: chr7-754803-G-T. GRCh37 (hg19) VCF-style: chr7-794440-G-T.
Other names: short protein forms E413D.
Identifiers: ClinVar variation 2448397 (VCV002448397.2), dbSNP rs776506185, ClinGen allele CA366536920.

ClinVar aggregate classification (germline): Uncertain significance (1 of 4 stars; one submission).

Conditions:
Primary ciliary dyskinesia. Also called: Ciliary dyskinesia. Identifiers: Orphanet 244, MedGen C0008780, MONDO:0016575, HP:0012265.

Submission:

Ambry Genetics
Classification: Uncertain significance for Primary ciliary dyskinesia. Last evaluated: 2023-03-13. Review status: criteria provided, single submitter. Criteria: Ambry Variant Classification Scheme 2023. Collection method: clinical testing. Allele origin: germline.
Comment: The p.E413D variant (also known as c.1239G>T), located in coding exon 5 of the DNAAF5 gene, results from a G to T substitution at nucleotide position 1239. The glutamic acid at codon 413 is replaced by aspartic acid, an amino acid with highly similar properties. This amino acid position is conserved. In addition, this alteration is predicted to be tolerated by in silico analysis. Since supporting evidence is limited at this time, the clinical significance of this alteration remains unclear.